The following is an entry in ClinVar:

ClinVar aggregate classification (germline): Pathogenic/Likely pathogenic. Review status: criteria provided, multiple submitters, no conflicts (2 of 4 stars). 4 submissions from 4 submitters: Pathogenic (2); Likely pathogenic (2). Last evaluated 2026-02-03.

Conditions:
Microcephaly 1, primary, autosomal recessive (MCPH1). Also called: PREMATURE CHROMOSOME CONDENSATION SYNDROME; PCC SYNDROME; PREMATURE CHROMOSOME CONDENSATION WITH MICROCEPHALY AND MENTAL RETARDATION. Identifiers: Orphanet 2512, MedGen C1855081, MONDO:0009617, OMIM 251200.
MCPH1-related disorder. Also called: MCPH1-related condition.

Allele frequency attached by ClinVar (database versions not stated): TOPMed 0.00002; ExAC 0.00004; gnomAD 0.00004; gnomAD exomes 0.00004; ESP Exome Variant Server 0.00008.
gnomAD v4.1: 83 of 1,613,316 alleles (0.0051%); highest among the groups gnomAD compares: Non-Finnish European, 0.0068%; no homozygotes.

Submissions (5):

PreventionGenetics, part of Exact Sciences
Classification: Likely pathogenic for MCPH1-related condition. Last evaluated: 2026-02-03. Review status: criteria provided, single submitter. Criteria: ACMG Guidelines, 2015. Collection method: clinical testing. Allele origin: germline.
Comment: The MCPH1 c.322-1G>C variant is predicted to disrupt the AG splice acceptor site and interfere with normal splicing. This variant has been reported in the homozygous state in an individual with primary microcephaly (Duerinckx et al. 2021. PubMed ID: 34402213). This variant is reported in 0.0086% of alleles in individuals of European (non-Finnish) descent in gnomAD. This variant is interpreted as pathogenic in ClinVar (Variation ID: 632028). Variants that disrupt the consensus splice acceptor site in MCPH1 are expected to be pathogenic. This variant is interpreted as likely pathogenic.

Labcorp Genetics (formerly Invitae), Labcorp
Classification: Likely pathogenic. Last evaluated: 2026-01-23. Review status: criteria provided, single submitter. Criteria: Invitae Variant Classification Sherloc (09022015). Collection method: clinical testing. Allele origin: germline.
Comment: This sequence change affects an acceptor splice site in intron 4 of the MCPH1 gene. It is expected to disrupt RNA splicing. Variants that disrupt the donor or acceptor splice site typically lead to a loss of protein function (PMID: 16199547), and loss-of-function variants in MCPH1 are known to be pathogenic (PMID: 20978018). This variant is present in population databases (rs201721894, gnomAD 0.007%). Disruption of this splice site has been observed in individual(s) with primary microcephaly (PMID: 34402213). ClinVar contains an entry for this variant (Variation ID: 632028). Algorithms developed to predict the effect of sequence changes on RNA splicing suggest that this variant may disrupt the consensus splice site. In summary, the currently available evidence indicates that the variant is pathogenic, but additional data are needed to prove that conclusively. Therefore, this variant has been classified as Likely Pathogenic.

Dasa
Classification: Pathogenic. Last evaluated: 2026-01-05. Review status: criteria provided, single submitter. Criteria: DASA Assertion Criteria. Collection method: clinical testing. Allele origin: germline.
Comment: NM_024596.5(MCPH1):c.322-1G>C introduces a premature termination codon predicted to result in loss of normal protein function. Loss-of-function is an established mechanism of disease for this gene. This variant has been observed in affected individuals with related phenotype in a genotype context consistent with recessive disease (PMID: 34402213). This variant has been reported in individuals with related phenotype (PMID: 34402213). The variant is present at low frequency in population datasets. Based on the available data, this variant is classified as pathogenic.

Child Neurology Department, Hôpital Universitaire de Bruxelles
Classification: Pathogenic for Microcephaly 1, primary, autosomal recessive. Last evaluated: 2020-01-01. Review status: criteria provided, single submitter. Criteria: ACMG Guidelines, 2015. Collection method: clinical testing. Allele origin: inherited. Affected: yes.

Dr. Peter K. Rogan Lab, Western University
No classification provided (evidence only). Condition: Acute myeloid leukemia. Review status: no classification provided. Collection method: in vitro. Allele origin: not applicable. Functional consequence: skipped exon. Not counted in ClinVar's aggregate classification.

Literature cited by the submitters: PubMed 16199547 (cited by Labcorp Genetics (formerly Invitae), Labcorp); PubMed 20978018 (cited by Labcorp Genetics (formerly Invitae), Labcorp); PubMed 34402213 (cited by Labcorp Genetics (formerly Invitae), Labcorp and Dasa).

NM_024596.5(MCPH1):c.322-1G>C

Gene: MCPH1 (microcephalin 1; plus strand). Cytogenetic location: 8p23.1.
Variant type: single nucleotide variant.
Coding change: c.322-1G>C on transcript NM_024596.5 (MANE Select); the canonical splice acceptor site of the intron before coding-DNA position 322, G replaced by C.
Molecular consequence: splice acceptor variant.
Genome position (GRCh38, 1-based): chr8:6,436,047, G>C. VCF-style: chr8-6436047-G-C. GRCh37 (hg19) VCF-style: chr8-6293568-G-C.
Other names: c.322-1G>C (NM_001322042.2, NM_001363980.2, NM_001363979.1 and 5 more transcripts); c.316-1G>C (NM_001322043.2); c.220-1G>C (NM_001322045.2).
Identifiers: ClinVar variation 632028 (VCV000632028.13), dbSNP rs201721894, ClinGen allele CA4610194.